The following is an entry in ClinVar:

NM_001035.3(RYR2):c.14757-6C>T

Gene: RYR2 (ryanodine receptor 2; plus strand). Cytogenetic location: 1q43.
Variant type: single nucleotide variant.
Coding change: c.14757-6C>T on transcript NM_001035.3 (MANE Select); 6 bases into the intron before coding-DNA position 14757, C replaced by T.
Molecular consequence: intron variant.
Genome position (GRCh38, 1-based): chr1:237,831,508, C>T. VCF-style: chr1-237831508-C-T. GRCh37 (hg19) VCF-style: chr1-237994808-C-T.
Other names: p.?.
Identifiers: ClinVar variation 746059 (VCV000746059.12), dbSNP rs779122362, ClinGen allele CA085747.
Genomic context (GRCh38, chr1:237,831,508, plus strand): 5'-AATATGCCCTGTTTATCCTAATATTTCCATACCGTTCATTTCTGATCAGTTTCTCTGTAT[C>T]TGTAGGTTTTTTCTGATGTATCTTATAAACAAAGATGAAACAGAACACACAGGACAGGTA-3'

ClinVar aggregate classification (germline): Benign/Likely benign. Review status: criteria provided, multiple submitters, no conflicts (2 of 4 stars). 5 submissions from 5 submitters: Benign (1); Likely benign (4). Last evaluated 2025-08-07.

Conditions:
Catecholaminergic polymorphic ventricular tachycardia (CVPT). Also called: Catecholamine-induced polymorphic ventricular tachycardia. Identifiers: Orphanet 3286, MedGen C5574922, MONDO:0017990.
Cardiomyopathy (CMYO). Also called: Cardiomyopathies. Identifiers: Orphanet 167848, MedGen C0878544, MONDO:0004994, HP:0001638. Inheritance: Various modes of inheritance.

Allele frequency attached by ClinVar (database versions not stated): gnomAD 0.00010 and 0.00024; gnomAD exomes 0.00023 and 0.00025; TOPMed 0.00023; ExAC 0.00025.
gnomAD v4.1: 362 of 1,512,052 alleles (0.024%); highest among the groups gnomAD compares: Non-Finnish European, 0.032%; no homozygotes.

Submissions (5):

Mayo Clinic Laboratories, Mayo Clinic
Classification: Likely benign. Last evaluated: 2025-08-07. Review status: criteria provided, single submitter. Criteria: ACMG Guidelines, 2015. Collection method: clinical testing. Allele origin: germline. Observed: 1 variant allele.
Comment: BP4, BP7

Blueprint Genetics
Classification: Likely benign. Last evaluated: 2024-08-12. Review status: criteria provided, single submitter. Criteria: ACMG Guidelines, 2015. Collection method: clinical testing. Allele origin: germline.

CHEO Genetics Diagnostic Laboratory, Children's Hospital of Eastern Ontario
Classification: Likely benign for Cardiomyopathy. Last evaluated: 2021-06-18. Review status: criteria provided, single submitter. Criteria: ACMG Guidelines, 2015. Collection method: clinical testing. Allele origin: germline.

Labcorp Genetics (formerly Invitae), Labcorp
Classification: Likely benign for Catecholaminergic polymorphic ventricular tachycardia. Last evaluated: 2019-12-31. Review status: criteria provided, single submitter. Criteria: Invitae Variant Classification Sherloc (09022015). Collection method: clinical testing. Allele origin: germline.

GeneDx
Classification: Benign. Last evaluated: 2015-03-03. Review status: criteria provided, single submitter. Criteria: GeneDx Variant Classification Process June 2021. Collection method: clinical testing. Allele origin: germline. Affected: yes.